The following is an entry in ClinVar:

NM_001042492.3(NF1):c.3470T>C (p.Val1157Ala)

Gene: NF1 (neurofibromin 1; plus strand). Cytogenetic location: 17q11.2.
Variant type: single nucleotide variant.
Coding change: c.3470T>C on transcript NM_001042492.3 (MANE Select); coding-DNA position 3470, T replaced by C.
Protein change: p.Val1157Ala; replaces valine 1157 with alanine.
Molecular consequence: missense variant.
Genome position (GRCh38, 1-based): chr17:31,232,855, T>C. VCF-style: chr17-31232855-T-C. GRCh37 (hg19) VCF-style: chr17-29559873-T-C.
Other names: c.3470T>C, p.Val1157Ala (NM_000267.4); short protein forms V1157A.
Identifiers: ClinVar variation 1494843 (VCV001494843.10), dbSNP rs2151434814, ClinGen allele CA398989394.

ClinVar aggregate classification (germline): Uncertain significance. Review status: criteria provided, multiple submitters, no conflicts (2 of 4 stars). 3 submissions from 3 submitters: Uncertain significance (3). Last evaluated 2023-10-28.

Conditions:
Neurofibromatosis, type 1 (NF1). Also called: NEUROFIBROMATOSIS, TYPE I, SOMATIC; VON RECKLINGHAUSEN DISEASE; Peripheral type neurofibromatosis; Neurofibromatosis, type I. Identifiers: Orphanet 636, MedGen C0027831, MONDO:0018975, OMIM 162200. Disease mechanism: loss of function.

Submissions (3):

Labcorp Genetics (formerly Invitae), Labcorp
Classification: Uncertain significance for Neurofibromatosis, type 1. Last evaluated: 2023-10-28. Review status: criteria provided, single submitter. Criteria: Invitae Variant Classification Sherloc (09022015). Collection method: clinical testing. Allele origin: germline.
Comment: This sequence change replaces valine, which is neutral and non-polar, with alanine, which is neutral and non-polar, at codon 1157 of the NF1 protein (p.Val1157Ala). This variant is not present in population databases (gnomAD no frequency). This missense change has been observed in individual(s) with clinical features of neurofibromatosis type 1 (Invitae). ClinVar contains an entry for this variant (Variation ID: 1494843). Advanced modeling of protein sequence and biophysical properties (such as structural, functional, and spatial information, amino acid conservation, physicochemical variation, residue mobility, and thermodynamic stability) has been performed at Invitae for this missense variant, however the output from this modeling did not meet the statistical confidence thresholds required to predict the impact of this variant on NF1 protein function. In summary, the available evidence is currently insufficient to determine the role of this variant in disease. Therefore, it has been classified as a Variant of Uncertain Significance.

GeneDx
Classification: Uncertain significance. Last evaluated: 2022-10-06. Review status: criteria provided, single submitter. Criteria: GeneDx Variant Classification Process June 2021. Collection method: clinical testing. Allele origin: germline. Affected: yes.
Comment: Not observed at significant frequency in large population cohorts (gnomAD); In silico analysis supports that this missense variant has a deleterious effect on protein structure/function; Has not been previously published as pathogenic or benign to our knowledge; This variant is associated with the following publications: (PMID: 25486365, 2121369, 22807134)

Blueprint Genetics
Classification: Uncertain significance. Last evaluated: 2020-09-18. Review status: criteria provided, single submitter. Criteria: ACMG Guidelines, 2015. Collection method: clinical testing. Allele origin: germline.